The following is an entry in ClinVar:

NM_000798.5(DRD5):c.978C>T (p.Pro326=)

Genes: DRD5 (dopamine receptor D5; plus strand), SLC2A9 (solute carrier family 2 member 9; minus strand). Cytogenetic location: 4p16.1.
Variant type: single nucleotide variant.
Coding change: c.978C>T on transcript NM_000798.5 (MANE Select); coding-DNA position 978, C replaced by T.
Protein change: p.Pro326=; no amino-acid change (proline 326 retained).
Molecular consequence: synonymous variant.
Genome position (GRCh38, 1-based): chr4:9,783,007, C>T. VCF-style: chr4-9783007-C-T. GRCh37 (hg19) VCF-style: chr4-9784631-C-T.
Identifiers: ClinVar variation 2507407 (VCV002507407.2), dbSNP rs6283, ClinGen allele CA2856665.

ClinVar aggregate classification (germline): Conflicting classifications of pathogenicity. Review status: criteria provided, conflicting classifications (1 of 4 stars). 2 submissions from 2 submitters: Uncertain significance (1); Benign (1). Last evaluated 2024-11-26.

Conditions:
Hereditary attention deficit-hyperactivity disorder. Also called: HYPERACTIVITY OF CHILDHOOD. Identifiers: MedGen CN324066, MONDO:0100518, OMIM 143465.
Schizophrenia (SCZD). Identifiers: MedGen C0036341, MeSH D012559, MONDO:0005090, OMIM 181500, HP:0100753.

Allele frequency attached by ClinVar (database versions not stated): 1000 Genomes Project 0.60903; 1000 Genomes Project 30x 0.61337; ExAC 0.63074; gnomAD 0.64094; TOPMed 0.64695; gnomAD exomes 0.65254.
gnomAD v4.1: 1,051,677 of 1,613,976 alleles (65%); highest among the groups gnomAD compares: Middle Eastern, 71%; 343,664 homozygotes.

Submissions (2):

Blueprint Genetics
Classification: Benign. Last evaluated: 2024-11-26. Review status: criteria provided, single submitter. Criteria: ACMG Guidelines, 2015. Collection method: clinical testing. Allele origin: germline.

Clinical Genomics, Uppaluri K&H Personalized Medicine Clinic
Classification: Uncertain significance for Hereditary attention deficit-hyperactivity disorder; Schizophrenia. Review status: criteria provided, single submitter. Criteria: K &amp; H Uppaluri Personalized Medicine Clinic Variant Classification &amp; Assertion Criteria_Updated V.1. Collection method: clinical testing. Allele origin: germline. Inheritance: Autosomal dominant inheritance. Affected: yes. Observed: 1 homozygote.
Comment: Studies suggest an association between dopamine(5) receptor uptake gene and ADHD. Dysfunction of dopamine neurotransmission and its receptors can also lead to schizophrenia. However, more molecular evidence and clinical studies are needed for a stronger correlation of this particular variant rs6283 with Attention-deficit hyperactivity disorder and/or schizophrenia.

Literature cited by the submitters: PubMed 27250208 (cited by Clinical Genomics, Uppaluri K&H Personalized Medicine Clinic); PubMed 29255361 (cited by Clinical Genomics, Uppaluri K&H Personalized Medicine Clinic).